The following is an entry in ClinVar:

ClinVar aggregate classification (germline): Likely benign (1 of 4 stars; one submission).

gnomAD v4.1: 30 of 1,595,560 alleles (0.0019%); highest among the groups gnomAD compares: South Asian, 0.029%; no homozygotes.

Submission:

CeGaT Center for Human Genetics Tuebingen
Classification: Likely benign. Last evaluated: 2022-03-01. Review status: criteria provided, single submitter. Criteria: CeGaT Center For Human Genetics Tuebingen Variant Classification Criteria Version 2. Collection method: clinical testing. Allele origin: germline. Affected: yes. Observed: 1 variant allele.
Comment: DYNC1I2: BP4, BP7

NM_001378.3(DYNC1I2):c.1269G>A (p.Glu423=)

Gene: DYNC1I2 (dynein cytoplasmic 1 intermediate chain 2; plus strand). Cytogenetic location: 2q31.1.
Variant type: single nucleotide variant.
Coding change: c.1269G>A on transcript NM_001378.3 (MANE Select); coding-DNA position 1269, G replaced by A.
Protein change: p.Glu423=; no amino-acid change (glutamic acid 423 retained).
Molecular consequence: synonymous variant.
Genome position (GRCh38, 1-based): chr2:171,728,728, G>A. VCF-style: chr2-171728728-G-A. GRCh37 (hg19) VCF-style: chr2-172585238-G-A.
Other names: c.1191G>A, p.Glu397= (NM_001271790.2, NM_001320884.2, NM_001271788.2 and 1 more transcripts); c.1251G>A, p.Glu417= (NM_001320882.2, NM_001320883.2, NM_001378455.1 and 1 more transcripts); c.1269G>A, p.Glu423= (NM_001271785.2); c.1245G>A, p.Glu415= (NM_001271786.2, NM_001271787.2).
Identifiers: ClinVar variation 2651543 (VCV002651543.24), dbSNP rs199908685, ClinGen allele CA1965811.